The following is an entry in ClinVar:

ClinVar aggregate classification (germline): Likely benign. Review status: criteria provided, multiple submitters, no conflicts (2 of 4 stars). 2 submissions from 2 submitters: Likely benign (2). Last evaluated 2025-06-27.

Allele frequency attached by ClinVar (database versions not stated): gnomAD exomes 0.00005; gnomAD 0.00009.
gnomAD v4.1: 198 of 1,552,662 alleles (0.013%); highest among the groups gnomAD compares: Admixed American, 0.019%; no homozygotes.

Submissions (2):

Labcorp Genetics (formerly Invitae), Labcorp
Classification: Likely benign. Last evaluated: 2025-06-27. Review status: criteria provided, single submitter. Criteria: Invitae Variant Classification Sherloc (09022015). Collection method: clinical testing. Allele origin: germline.

CeGaT Center for Human Genetics Tuebingen
Classification: Likely benign. Last evaluated: 2023-12-01. Review status: criteria provided, single submitter. Criteria: CeGaT Center For Human Genetics Tuebingen Variant Classification Criteria Version 2. Collection method: clinical testing. Allele origin: germline. Affected: yes. Observed: 1 variant allele.
Comment: NACC1: BP4, BP7

NM_052876.4(NACC1):c.651C>T (p.His217=)

Gene: NACC1 (nucleus accumbens associated 1; plus strand). Cytogenetic location: 19p13.13.
Variant type: single nucleotide variant.
Coding change: c.651C>T on transcript NM_052876.4 (MANE Select); coding-DNA position 651, C replaced by T.
Protein change: p.His217=; no amino-acid change (histidine 217 retained).
Molecular consequence: synonymous variant.
Genome position (GRCh38, 1-based): chr19:13,135,858, C>T. VCF-style: chr19-13135858-C-T. GRCh37 (hg19) VCF-style: chr19-13246672-C-T.
Identifiers: ClinVar variation 1637407 (VCV001637407.30), dbSNP rs745755014, ClinGen allele CA9238301.